The following is an entry in ClinVar:

ClinVar aggregate classification (germline): Uncertain significance (1 of 4 stars; one submission).

Conditions:
Cardiovascular phenotype. Identifiers: MedGen CN230736.

Allele frequency attached by ClinVar (database versions not stated): TOPMed below 0.00001.

Submission:

Ambry Genetics
Classification: Uncertain significance for Cardiovascular phenotype. Last evaluated: 2024-03-01. Review status: criteria provided, single submitter. Criteria: Ambry Variant Classification Scheme 2023. Collection method: clinical testing. Allele origin: germline.
Comment: The p.P2087L variant (also known as c.6260C>T), located in coding exon 2 of the ZNF469 gene, results from a C to T substitution at nucleotide position 6260. The proline at codon 2087 is replaced by leucine, an amino acid with similar properties. This amino acid position is conserved. In addition, this alteration is predicted to be tolerated by in silico analysis. Based on the available evidence, the clinical significance of this alteration remains unclear.

NM_001367624.2(ZNF469):c.6344C>T (p.Pro2115Leu)

Gene: ZNF469 (zinc finger protein 469; plus strand). Cytogenetic location: 16q24.2.
Variant type: single nucleotide variant.
Coding change: c.6344C>T on transcript NM_001367624.2 (MANE Select); coding-DNA position 6344, C replaced by T.
Protein change: p.Pro2115Leu; replaces proline 2115 with leucine.
Molecular consequence: missense variant.
Genome position (GRCh38, 1-based): chr16:88,433,814, C>T. VCF-style: chr16-88433814-C-T. GRCh37 (hg19) VCF-style: chr16-88500222-C-T.
Other names: NM_001127464.1:c.6260C>T; short protein forms P2115L.
Identifiers: ClinVar variation 3232839 (VCV003232839.1), dbSNP rs1906371801, ClinGen allele CA397105470.
Genomic context (GRCh38, chr16:88,433,814, plus strand): 5'-CACTGCTGGCCACAGGGGATAGCCCAGCACCCTCTGTCGGGGACCTGGCCGCCTGCGCCC[C>T]CTCACCCACTTCAGCCGCCCACATGCCCTGCAGCCTTGGGCCCCTGCCCCGTGAAGACCC-3'
Protein context (NP_001354553.1, residues 2105-2125): PSVGDLAACA[Pro2115Leu]SPTSAAHMPC